The following is an entry in ClinVar:

ClinVar aggregate classification (germline): Likely benign. Review status: criteria provided, multiple submitters, no conflicts (2 of 4 stars). 3 submissions from 3 submitters: Likely benign (3). Last evaluated 2025-11-23.

Conditions:
Infantile neuroaxonal dystrophy (NBIA2A). Also called: NEURODEGENERATION WITH BRAIN IRON ACCUMULATION 2A; SEITELBERGER DISEASE; Infantile neuroaxonal dystrophy 1. Identifiers: Orphanet 35069, MedGen C0270724, MONDO:0024457, OMIM 256600.

Allele frequency attached by ClinVar (database versions not stated): gnomAD 0.00001 and 0.00002; ExAC 0.00003; gnomAD exomes 0.00003 and 0.00004; TOPMed 0.00005.
gnomAD v4.1: 53 of 1,613,786 alleles (0.0033%); highest among the groups gnomAD compares: Middle Eastern, 0.099%; no homozygotes.

Submissions (3):

Labcorp Genetics (formerly Invitae), Labcorp
Classification: Likely benign for Infantile neuroaxonal dystrophy. Last evaluated: 2025-11-23. Review status: criteria provided, single submitter. Criteria: Invitae Variant Classification Sherloc (09022015). Collection method: clinical testing. Allele origin: germline.

Blueprint Genetics
Classification: Likely benign. Last evaluated: 2024-10-30. Review status: criteria provided, single submitter. Criteria: ACMG Guidelines, 2015. Collection method: clinical testing. Allele origin: germline.

CeGaT Center for Human Genetics Tuebingen
Classification: Likely benign. Last evaluated: 2022-05-01. Review status: criteria provided, single submitter. Criteria: CeGaT Center For Human Genetics Tuebingen Variant Classification Criteria Version 2. Collection method: clinical testing. Allele origin: germline. Affected: yes. Observed: 1 variant allele.
Comment: PLA2G6: BP4, BP7

NM_003560.4(PLA2G6):c.1779G>A (p.Pro593=)

Gene: PLA2G6 (phospholipase A2 group VI; minus strand). Cytogenetic location: 22q13.1.
Variant type: single nucleotide variant.
Coding change: c.1779G>A on transcript NM_003560.4 (MANE Select); coding-DNA position 1779, G replaced by A.
Protein change: p.Pro593=; no amino-acid change (proline 593 retained).
Molecular consequence: synonymous variant.
Genome position (GRCh38, 1-based): chr22:38,116,175, C>T on the plus strand (G>A on the coding strand, the complement: PLA2G6 is on the minus strand). VCF-style: chr22-38116175-C-T. GRCh37 (hg19) VCF-style: chr22-38512182-C-T.
Other names: c.1617G>A, p.Pro539= (NM_001004426.3, NM_001199562.3, NM_001349865.2 and 1 more transcripts); c.1779G>A, p.Pro593= (NM_001349864.2); c.1245G>A, p.Pro415= (NM_001349867.2); c.1101G>A, p.Pro367= (NM_001349868.2); c.1083G>A, p.Pro361= (NM_001349869.2).
Identifiers: ClinVar variation 1573057 (VCV001573057.34), dbSNP rs746984683, ClinGen allele CA10230717.
Genomic context (GRCh38, chr22:38,116,175, plus strand): 5'-GAAACGAGGCTCCCGGACAGTTTCTGGAGCATCGTAGTTCCGGAAGAGGTGGAGTTCAGC[C>T]GGCTGCCGGTCAGACAGTGTCCCTGTCAGCATCACCCTGGAGAGAAATGAGGCAGGAGGA-3'
Protein context (NP_003551.2, residues 583-603): MLTGTLSDRQ[Pro593=]AELHLFRNYD